The following is an entry in ClinVar:

ClinVar aggregate classification (germline): Uncertain significance (1 of 4 stars; one submission).

gnomAD v4.1: 26 of 1,612,934 alleles (0.0016%); highest among the groups gnomAD compares: South Asian, 0.0033%; no homozygotes.

Submission:

Labcorp Genetics (formerly Invitae), Labcorp
Classification: Uncertain significance. Last evaluated: 2025-01-14. Review status: criteria provided, single submitter. Criteria: Invitae Variant Classification Sherloc (09022015). Collection method: clinical testing. Allele origin: germline.
Comment: This sequence change replaces arginine, which is basic and polar, with glutamine, which is neutral and polar, at codon 81 of the RASGRP1 protein (p.Arg81Gln). This variant is present in population databases (rs775150830, gnomAD 0.004%). This variant has not been reported in the literature in individuals affected with RASGRP1-related conditions. Invitae Evidence Modeling of protein sequence and biophysical properties (such as structural, functional, and spatial information, amino acid conservation, physicochemical variation, residue mobility, and thermodynamic stability) indicates that this missense variant is not expected to disrupt RASGRP1 protein function with a negative predictive value of 80%. In summary, the available evidence is currently insufficient to determine the role of this variant in disease. Therefore, it has been classified as a Variant of Uncertain Significance.

NM_005739.4(RASGRP1):c.242G>A (p.Arg81Gln)

Gene: RASGRP1 (RAS guanyl releasing protein 1; minus strand). Cytogenetic location: 15q14.
Variant type: single nucleotide variant.
Coding change: c.242G>A on transcript NM_005739.4 (MANE Select); coding-DNA position 242, G replaced by A.
Protein change: p.Arg81Gln; replaces arginine 81 with glutamine.
Molecular consequence: missense variant.
Genome position (GRCh38, 1-based): chr15:38,526,383, C>T on the plus strand (G>A on the coding strand, the complement: RASGRP1 is on the minus strand). VCF-style: chr15-38526383-C-T. GRCh37 (hg19) VCF-style: chr15-38818584-C-T.
Other names: c.242G>A, p.Arg81Gln (NM_001128602.2, NM_001306086.2); short protein forms R81Q.
Identifiers: ClinVar variation 3686518 (VCV003686518.2).